The following is an entry in ClinVar:

ClinVar aggregate classification (germline): Uncertain significance (1 of 4 stars; one submission).

Conditions:
Noonan syndrome 9 (NS9). Identifiers: Orphanet 648, MedGen C4225282, MONDO:0014691, OMIM 616559.

Submission:

Labcorp Genetics (formerly Invitae), Labcorp
Classification: Uncertain significance for Noonan syndrome 9. Last evaluated: 2024-11-16. Review status: criteria provided, single submitter. Criteria: Invitae Variant Classification Sherloc (09022015). Collection method: clinical testing. Allele origin: germline.
Comment: This sequence change creates a premature translational stop signal (p.Arg387*) in the SOS2 gene. It is expected to result in an absent or disrupted protein product. However, the current clinical and genetic evidence is not sufficient to establish whether loss-of-function variants in SOS2 cause disease. This variant is not present in population databases (gnomAD no frequency). This variant has not been reported in the literature in individuals affected with SOS2-related conditions. Algorithms developed to predict the effect of sequence changes on RNA splicing suggest that this variant may disrupt the consensus splice site. In summary, the available evidence is currently insufficient to determine the role of this variant in disease. Therefore, it has been classified as a Variant of Uncertain Significance.

NM_006939.4(SOS2):c.1159C>T (p.Arg387Ter)

Gene: SOS2 (SOS Ras/Rho guanine nucleotide exchange factor 2; minus strand). Cytogenetic location: 14q21.3.
Variant type: single nucleotide variant.
Coding change: c.1159C>T on transcript NM_006939.4 (MANE Select); coding-DNA position 1159, C replaced by T.
Protein change: p.Arg387Ter; replaces arginine 387 with a stop codon.
Molecular consequence: nonsense.
Genome position (GRCh38, 1-based): chr14:50,161,519, G>A on the plus strand (C>T on the coding strand, the complement: SOS2 is on the minus strand). VCF-style: chr14-50161519-G-A. GRCh37 (hg19) VCF-style: chr14-50628237-G-A.
Other names: c.1060C>T, p.Arg354Ter (NM_001411020.1); short protein forms R354*, R387*.
Identifiers: ClinVar variation 3624103 (VCV003624103.2).
Genomic context (GRCh38, chr14:50,161,519, plus strand): 5'-CGTTTTCAACACTTTGGAATTACCCAGGTCGACGTCTAGGTGAATACTGCTTGTAAATTC[G>A]GTCCATGCTACCTTGGAGATTCATGAGAGCAGTAATAGCTTGGTTCAAACATTCTCTGTC-3'